The following is an entry in ClinVar:

NM_001385079.1(PDE10A):c.844A>G (p.Thr282Ala)

Gene: PDE10A (phosphodiesterase 10A; minus strand). Cytogenetic location: 6q27.
Variant type: single nucleotide variant.
Coding change: c.844A>G on transcript NM_001385079.1 (MANE Select); coding-DNA position 844, A replaced by G.
Protein change: p.Thr282Ala; replaces threonine 282 with alanine.
Molecular consequence: missense variant. On other transcripts: 5 prime UTR variant (1).
Genome position (GRCh38, 1-based): chr6:165,661,968, T>C on the plus strand (A>G on the coding strand, the complement: PDE10A is on the minus strand). VCF-style: chr6-165661968-T-C. GRCh37 (hg19) VCF-style: chr6-166075456-T-C.
Other names: c.46A>G, p.Thr16Ala (NM_001130690.3); c.-113A>G (NM_006661.4); short protein forms T16A, T282A.
Identifiers: ClinVar variation 2743041 (VCV002743041.3), dbSNP rs1481567267, ClinGen allele CA366486361.

ClinVar aggregate classification (germline): Uncertain significance (1 of 4 stars; one submission).

Allele frequency attached by ClinVar (database versions not stated): gnomAD exomes below 0.00001; TOPMed below 0.00001; gnomAD 0.00001.
gnomAD v4.1: 4 of 1,194,402 alleles (0.00033%); highest among the groups gnomAD compares: Admixed American, 0.008%; no homozygotes.

Submission:

Labcorp Genetics (formerly Invitae), Labcorp
Classification: Uncertain significance. Last evaluated: 2023-08-14. Review status: criteria provided, single submitter. Criteria: Invitae Variant Classification Sherloc (09022015). Collection method: clinical testing. Allele origin: germline.
Comment: In summary, the available evidence is currently insufficient to determine the role of this variant in disease. Therefore, it has been classified as a Variant of Uncertain Significance. An algorithm developed to predict the effect of missense changes on protein structure and function (PolyPhen-2) suggests that this variant is likely to be tolerated. This variant has not been reported in the literature in individuals affected with PDE10A-related conditions. The frequency data for this variant in the population databases is considered unreliable, as metrics indicate poor data quality at this position in the gnomAD database. This sequence change replaces threonine, which is neutral and polar, with alanine, which is neutral and non-polar, at codon 16 of the PDE10A protein (p.Thr16Ala).